The following is an entry in ClinVar:

NM_000219.6(KCNE1):c.97A>C (p.Arg33=)

Gene: KCNE1 (potassium voltage-gated channel subfamily E regulatory subunit 1; minus strand). Cytogenetic location: 21q22.12.
Variant type: single nucleotide variant.
Coding change: c.97A>C on transcript NM_000219.6 (MANE Select); coding-DNA position 97, A replaced by C.
Protein change: p.Arg33=; no amino-acid change (arginine 33 retained).
Molecular consequence: synonymous variant.
Genome position (GRCh38, 1-based): chr21:34,449,538, T>G on the plus strand (A>C on the coding strand, the complement: KCNE1 is on the minus strand). VCF-style: chr21-34449538-T-G. GRCh37 (hg19) VCF-style: chr21-35821836-T-G.
Other names: c.97A>C, p.Arg33= (NM_001127668.4, NM_001127669.4, NM_001127670.4 and 4 more transcripts).
Identifiers: ClinVar variation 3374039 (VCV003374039.2).

Conditions:
Long QT syndrome 5 (LQT5). Identifiers: Orphanet 101016, Orphanet 768, MedGen C1867904, MONDO:0013372, OMIM 613695.

Submission:

Roden Lab, Vanderbilt University Medical Center
No classification provided (evidence only). Condition: Long QT syndrome 5. Review status: no classification provided. Collection method: in vitro. Allele origin: not applicable. Functional consequence: Effect on ion channel function.
ClinVar note: "not provided" was previously submitted as the classification for the variant. However, the classification appeared to be based only on an observation of functional data so it was converted to no classification on 2025-07-30.